The following is an entry in ClinVar:

NM_031263.4(HNRNPK):c.854C>T (p.Pro285Leu)

Gene: HNRNPK (heterogeneous nuclear ribonucleoprotein K; minus strand). Cytogenetic location: 9q21.32.
Variant type: single nucleotide variant.
Coding change: c.854C>T on transcript NM_031263.4 (MANE Select); coding-DNA position 854, C replaced by T.
Protein change: p.Pro285Leu; replaces proline 285 with leucine.
Molecular consequence: missense variant.
Genome position (GRCh38, 1-based): chr9:83,971,981, G>A on the plus strand (C>T on the coding strand, the complement: HNRNPK is on the minus strand). VCF-style: chr9-83971981-G-A. GRCh37 (hg19) VCF-style: chr9-86586896-G-A.
Other names: c.782C>T, p.Pro261Leu (NM_001318186.2, NM_001318187.2); c.854C>T, p.Pro285Leu (NM_001318188.2, NM_002140.5, NM_031262.4); short protein forms P261L, P285L.
Identifiers: ClinVar variation 1312084 (VCV001312084.2), dbSNP rs2133030700, ClinGen allele CA373923819.

ClinVar aggregate classification (germline): Uncertain significance (1 of 4 stars; one submission).

Allele frequency attached by ClinVar (database versions not stated): gnomAD exomes below 0.00001.
gnomAD v4.1: 3 of 1,610,412 alleles (0.00019%); highest among the groups gnomAD compares: Non-Finnish European, 0.00025%; no homozygotes.

Submission:

GeneDx
Classification: Uncertain significance. Last evaluated: 2019-09-13. Review status: criteria provided, single submitter. Criteria: GeneDx Variant Classification Process June 2021. Collection method: clinical testing. Allele origin: germline. Affected: yes.
Comment: Has not been previously published as pathogenic or benign to our knowledge; Not observed in large population cohorts (Lek et al., 2016); In silico analysis, which includes protein predictors and evolutionary conservation, supports a deleterious effect